The following is an entry in ClinVar:

NM_004171.4(SLC1A2):c.1422-10_1422-9insCC

Gene: SLC1A2 (solute carrier family 1 member 2; minus strand). Cytogenetic location: 11p13.
Variant type: Insertion.
Coding change: c.1422-10_1422-9insCC on transcript NM_004171.4 (MANE Select); 10 bases into the intron before coding-DNA position 1422 through 9 bases into the intron before coding-DNA position 1422, CC inserted.
Molecular consequence: intron variant.
Genome position: GRCh38 VCF-style: chr11-35265767-A-AGG. GRCh37 (hg19) VCF-style: chr11-35287314-A-AGG.
Other names: c.1395-10_1395-9insCC (NM_001195728.3, NM_001252652.2).
Identifiers: ClinVar variation 3036982 (VCV003036982.2), dbSNP rs2497620751, ClinGen allele CA2613105679.

ClinVar aggregate classification (germline): Likely benign (0 of 4 stars; one submission).

Conditions:
SLC1A2-related disorder. Also called: SLC1A2-related condition.

Submission:

PreventionGenetics, part of Exact Sciences
Classification: Likely benign for SLC1A2-related condition. Last evaluated: 2023-10-09. Review status: no assertion criteria provided. Collection method: clinical testing. Allele origin: germline.
Comment: This variant is classified as likely benign based on ACMG/AMP sequence variant interpretation guidelines (Richards et al. 2015 PMID: 25741868, with internal and published modifications).